The following is an entry in ClinVar:

NM_145290.4(ADGRA3):c.2990T>C (p.Leu997Ser)

Gene: ADGRA3 (adhesion G protein-coupled receptor A3; minus strand). Cytogenetic location: 4p15.2.
Variant type: single nucleotide variant.
Coding change: c.2990T>C on transcript NM_145290.4 (MANE Select); coding-DNA position 2990, T replaced by C.
Protein change: p.Leu997Ser; replaces leucine 997 with serine.
Molecular consequence: missense variant.
Genome position (GRCh38, 1-based): chr4:22,388,681, A>G on the plus strand (T>C on the coding strand, the complement: ADGRA3 is on the minus strand). VCF-style: chr4-22388681-A-G. GRCh37 (hg19) VCF-style: chr4-22390304-A-G.
Other names: short protein forms L997S.
Identifiers: ClinVar variation 1394603 (VCV001394603.6), dbSNP rs1713960503, ClinGen allele CA356474325.

ClinVar aggregate classification (germline): Uncertain significance (1 of 4 stars; one submission).

Allele frequency attached by ClinVar (database versions not stated): gnomAD exomes below 0.00001; TOPMed below 0.00001.
gnomAD v4.1: 3 of 1,614,116 alleles (0.00019%); highest among the groups gnomAD compares: Non-Finnish European, 0.00025%; no homozygotes.

Submission:

Labcorp Genetics (formerly Invitae), Labcorp
Classification: Uncertain significance. Last evaluated: 2021-11-23. Review status: criteria provided, single submitter. Criteria: Invitae Variant Classification Sherloc (09022015). Collection method: clinical testing. Allele origin: germline.
Comment: This sequence change replaces leucine, which is neutral and non-polar, with serine, which is neutral and polar, at codon 997 of the ADGRA3 protein (p.Leu997Ser). This variant is not present in population databases (gnomAD no frequency). This variant has not been reported in the literature in individuals affected with ADGRA3-related conditions. Algorithms developed to predict the effect of missense changes on protein structure and function are either unavailable or do not agree on the potential impact of this missense change (SIFT: "Deleterious"; PolyPhen-2: "Benign"; Align-GVGD: "Class C15"). In summary, the available evidence is currently insufficient to determine the role of this variant in disease. Therefore, it has been classified as a Variant of Uncertain Significance.